The following is an entry in ClinVar:

ClinVar aggregate classification (germline): Uncertain significance (1 of 4 stars; one submission).

Allele frequency attached by ClinVar (database versions not stated): ExAC 0.00001; TOPMed 0.00001; gnomAD 0.00003.

Submission:

Labcorp Genetics (formerly Invitae), Labcorp
Classification: Uncertain significance. Last evaluated: 2023-12-21. Review status: criteria provided, single submitter. Criteria: Invitae Variant Classification Sherloc (09022015). Collection method: clinical testing. Allele origin: germline.
Comment: This sequence change replaces threonine, which is neutral and polar, with serine, which is neutral and polar, at codon 350 of the GHSR protein (p.Thr350Ser). This variant is present in population databases (rs200633078, gnomAD 0.002%). This missense change has been observed in individual(s) with isolated partial growth hormone deficiency (PMID: 29758562). An algorithm developed to predict the effect of missense changes on protein structure and function (PolyPhen-2) suggests that this variant is likely to be tolerated. In summary, the available evidence is currently insufficient to determine the role of this variant in disease. Therefore, it has been classified as a Variant of Uncertain Significance.

Literature cited by the submitters: PubMed 29758562.

NM_198407.2(GHSR):c.1049C>G (p.Thr350Ser)

Gene: GHSR (growth hormone secretagogue receptor; minus strand). Cytogenetic location: 3q26.31.
Variant type: single nucleotide variant.
Coding change: c.1049C>G on transcript NM_198407.2 (MANE Select); coding-DNA position 1049, C replaced by G.
Protein change: p.Thr350Ser; replaces threonine 350 with serine.
Molecular consequence: missense variant.
Genome position (GRCh38, 1-based): chr3:172,445,213, G>C on the plus strand (C>G on the coding strand, the complement: GHSR is on the minus strand). VCF-style: chr3-172445213-G-C. GRCh37 (hg19) VCF-style: chr3-172163003-G-C.
Other names: short protein forms T350S.
Identifiers: ClinVar variation 2987504 (VCV002987504.3), dbSNP rs200633078, ClinGen allele CA2706311.